The following is an entry in ClinVar:

ClinVar aggregate classification (germline): Benign (0 of 4 stars; one submission).

Conditions:
PTRHD1-related disorder. Also called: PTRHD1-related condition.

Allele frequency attached by ClinVar (database versions not stated): 1000 Genomes Project 30x 0.00328; 1000 Genomes Project 0.00339.
gnomAD v4.1: 1,773 of 1,613,936 alleles (0.11%); highest among the groups gnomAD compares: South Asian, 1.8%; 46 homozygotes.

Submission:

PreventionGenetics, part of Exact Sciences
Classification: Benign for PTRHD1-related condition. Last evaluated: 2019-06-14. Review status: no assertion criteria provided. Collection method: clinical testing. Allele origin: germline.
Comment: This variant is classified as benign based on ACMG/AMP sequence variant interpretation guidelines (Richards et al. 2015 PMID: 25741868, with internal and published modifications).

NM_001013663.2(PTRHD1):c.127C>A (p.Pro43Thr)

Genes: PTRHD1 (peptidyl-tRNA hydrolase domain containing 1; minus strand), LOC129933272 (ATAC-STARR-seq lymphoblastoid active region 15435; plus strand). Cytogenetic location: 2p23.3.
Variant type: single nucleotide variant.
Coding change: c.127C>A on transcript NM_001013663.2 (MANE Select); coding-DNA position 127, C replaced by A.
Protein change: p.Pro43Thr; replaces proline 43 with threonine.
Molecular consequence: missense variant.
Genome position (GRCh38, 1-based): chr2:24,793,251, G>T on the plus strand (C>A on the coding strand, the complement: PTRHD1 is on the minus strand). VCF-style: chr2-24793251-G-T. GRCh37 (hg19) VCF-style: chr2-25016120-G-T.
Other names: short protein forms P43T.
Identifiers: ClinVar variation 3043675 (VCV003043675.2), dbSNP rs545737721, ClinGen allele CA1552985.
Genomic context (GRCh38, chr2:24,793,251, plus strand): 5'-GGTGAGTGTGCAAGGCCGCGGTGGCCGCGTGACAAGCCTGCGCTACCAGTGCGCCCGCCG[G>T]CCAGGAGAACGGAGCTTGTGATAGATCCTTTCGTAACACCAAGTATTGTACCAGGACCTG-3'
Protein context (NP_001013685.1, residues 33-53): KDLSQAPFSW[Pro43Thr]AGALVAQACH